The following is an entry in ClinVar:

NM_015113.4(ZZEF1):c.5934A>T (p.Pro1978=)

Gene: ZZEF1 (zinc finger ZZ-type and EF-hand domain containing 1; minus strand). Cytogenetic location: 17p13.2.
Variant type: single nucleotide variant.
Coding change: c.5934A>T on transcript NM_015113.4 (MANE Select); coding-DNA position 5934, A replaced by T.
Protein change: p.Pro1978=; no amino-acid change (proline 1978 retained).
Molecular consequence: synonymous variant.
Genome position (GRCh38, 1-based): chr17:4,049,789, T>A on the plus strand (A>T on the coding strand, the complement: ZZEF1 is on the minus strand). VCF-style: chr17-4049789-T-A. GRCh37 (hg19) VCF-style: chr17-3953083-T-A.
Identifiers: ClinVar variation 2647246 (VCV002647246.24), dbSNP rs781853, ClinGen allele CA497483880.

ClinVar aggregate classification (germline): Likely benign (1 of 4 stars; one submission).

Submission:

CeGaT Center for Human Genetics Tuebingen
Classification: Likely benign. Last evaluated: 2023-09-01. Review status: criteria provided, single submitter. Criteria: CeGaT Center For Human Genetics Tuebingen Variant Classification Criteria Version 2. Collection method: clinical testing. Allele origin: germline. Affected: yes. Observed: 1 variant allele.
Comment: ZZEF1: PM2:Supporting, BP4, BP7